The following is an entry in ClinVar:

NM_174936.4(PCSK9):c.1744C>T (p.Arg582Ter)

Gene: PCSK9 (proprotein convertase subtilisin/kexin type 9; plus strand). Cytogenetic location: 1p32.3.
Variant type: single nucleotide variant.
Coding change: c.1744C>T on transcript NM_174936.4 (MANE Select); coding-DNA position 1744, C replaced by T.
Protein change: p.Arg582Ter; replaces arginine 582 with a stop codon.
Molecular consequence: nonsense.
Genome position (GRCh38, 1-based): chr1:55,061,437, C>T. VCF-style: chr1-55061437-C-T. GRCh37 (hg19) VCF-style: chr1-55527110-C-T.
Other names: c.1867C>T, p.Arg623Ter (NM_001407240.1); c.1786C>T, p.Arg596Ter (NM_001407241.1); c.1747C>T, p.Arg583Ter (NM_001407242.1); c.1687C>T, p.Arg563Ter (NM_001407243.1); c.1570C>T, p.Arg524Ter (NM_001407244.1); c.1552C>T, p.Arg518Ter (NM_001407245.1); c.1369C>T, p.Arg457Ter (NM_001407246.1); c.1243C>T, p.Arg415Ter (NM_001407247.1); short protein forms R582*, R518*, R623*, R415*, R457*, R524*, R563*, R583*.
Identifiers: ClinVar variation 919633 (VCV000919633.6), dbSNP rs373323910, ClinGen allele CA038733.

ClinVar aggregate classification (germline): Conflicting classifications of pathogenicity. Review status: criteria provided, conflicting classifications (1 of 4 stars). 3 submissions from 3 submitters: Uncertain significance (1); Likely benign (2). Last evaluated 2025-01-28.

Conditions:
Hypercholesterolemia, autosomal dominant, 3 (FHCL3). Also called: Familial Hypercholesterolemia, Autosomal Dominant, 3; PCSK9-Related Familial Hypercholesterolemia, Autosomal Dominant; Familial hypercholesterolemia 3. Identifiers: MedGen C1863551, MONDO:0011369, OMIM 603776.
Familial hypercholesterolemia. Also called: Familial hypercholesterolaemia; Familial hypercholesterolemias. Identifiers: MedGen C0020445, MONDO:0005439.

Allele frequency attached by ClinVar (database versions not stated): gnomAD exomes 0.00001 and 0.00002; TOPMed 0.00001; gnomAD 0.00001; ExAC 0.00002.
gnomAD v4.1: 15 of 1,610,050 alleles (0.00093%); highest among the groups gnomAD compares: South Asian, 0.0011%; no homozygotes.

Submissions (3):

Dasa
Classification: Uncertain significance. Last evaluated: 2025-01-28. Review status: criteria provided, single submitter. Criteria: DASA Assertion Criteria. Collection method: clinical testing. Allele origin: germline.
Comment: NM_174936.4(PCSK9):c.1744C>T (p.Arg582*) is a nonsense variant in PCSK9 predicted to introduce a premature termination codon. This variant is rare in population databases. The currently available literature and clinical evidence are not sufficient to establish a definitive association between this variant and the reported condition. Therefore, this variant is classified as a variant of uncertain significance.

All of Us Research Program, National Institutes of Health
Classification: Likely benign for Hypercholesterolemia, autosomal dominant, 3. Last evaluated: 2023-11-20. Review status: criteria provided, single submitter. Criteria: ACMG Guidelines, 2015. Collection method: clinical testing. Allele origin: germline. Inheritance: Autosomal dominant inheritance. Observed: 4 variant alleles, 4 heterozygotes.
Comment: This study involves interpretation of variants in research participants for the purpose of population health screening. Participant phenotype was not available at the time of variant classification. Additional details can be found in publication PMID: 35346344, PMCID: PMC8962531

Color Diagnostics, LLC DBA Color Health
Classification: Likely benign for Familial hypercholesterolemia. Last evaluated: 2018-11-14. Review status: criteria provided, single submitter. Criteria: ACMG Guidelines, 2015. Collection method: clinical testing. Allele origin: germline.